The following is an entry in ClinVar:

ClinVar aggregate classification (germline): Likely pathogenic (1 of 4 stars; one submission).

Conditions:
Mucopolysaccharidosis type 6 (MPS6). Also called: N-ACETYLGALACTOSAMINE-4-SULFATASE DEFICIENCY; MPS VI; MPS 6; Maroteaux Lamy syndrome; ARSB DEFICIENCY; ARYLSULFATASE B DEFICIENCY. Identifiers: Orphanet 583, MedGen C0026709, MONDO:0009661, OMIM 253200.

Submission:

Laboratory of Diagnosis and Therapy of Lysosomal Disorders, University of Padova
Classification: Likely pathogenic for Mucopolysaccharidosis type 6. Last evaluated: 2018-01-01. Review status: criteria provided, single submitter. Criteria: ACMG Guidelines, 2015. Collection method: curation. Allele origin: germline. Affected: yes.
Comment: Frameshift variant (PVS1); Absent from GnomAD (PM2)

Literature cited by the submitters: PubMed 17672828; PubMed 30118150.

NM_000046.5(ARSB):c.1475del (p.Pro492fs)

Gene: ARSB (arylsulfatase B; minus strand). Cytogenetic location: 5q14.1.
Variant type: Deletion.
Coding change: c.1475del on transcript NM_000046.5 (MANE Select); coding-DNA position 1475, one base deleted (C; older notation c.1475delC).
Protein change: p.Pro492fs; shifts the reading frame from proline 492.
Molecular consequence: frameshift variant.
Genome position (GRCh38, 1-based): chr5:78,780,524, G deleted on the plus strand (C on the coding strand, the reverse complement: ARSB is on the minus strand); the first of 2 consecutive G bases (chr5:78,780,524-78,780,525); deleting either gives the same sequence. VCF-style (leftmost placement, unchanged base first): chr5-78780523-AG-A. GRCh37 (hg19) VCF-style: chr5-78076346-AG-A.
Other names: short protein forms P492fs.
Identifiers: ClinVar variation 559715 (VCV000559715.1), dbSNP rs1554069669, ClinGen allele CA658822424.